The following is an entry in ClinVar:

NM_000551.4(VHL):c.340+790G>A

Genes: VHL (von Hippel-Lindau tumor suppressor; plus strand), LOC107303340 (3p25 von Hippel-Lindau tumor suppressor, E3 ubiquitin protein ligase Alu-mediated recombination region; plus strand). Cytogenetic location: 3p25.3.
Variant type: single nucleotide variant.
Coding change: c.340+790G>A on transcript NM_000551.4 (MANE Select); 790 bases into the intron after coding-DNA position 340, G replaced by A.
Molecular consequence: intron variant. On other transcripts: synonymous variant (1).
Genome position (GRCh38, 1-based): chr3:10,142,977, G>A. VCF-style: chr3-10142977-G-A. GRCh37 (hg19) VCF-style: chr3-10184661-G-A.
Other names: c.555G>A (NM_001354723.1); c.555G>A, p.Pro185= (NM_001354723.2); c.340+790G>A (NM_198156.3).
Identifiers: ClinVar variation 842710 (VCV000842710.10), dbSNP rs527534541, ClinGen allele CA70046817.

ClinVar aggregate classification (germline): Likely benign. Review status: criteria provided, single submitter (1 of 4 stars). 2 submissions from 2 submitters: Likely benign (1). 1 of the submissions does not count toward it. Last evaluated 2025-12-23.

Conditions:
Chuvash polycythemia. Also called: POLYCYTHEMIA, VHL-DEPENDENT. Identifiers: Orphanet 238557, MedGen C1837915, MONDO:0009892, OMIM 263400.
Von Hippel-Lindau syndrome (VHLS). Also called: Von Hippel-Lindau; VHL syndrome; von Hippel–Lindau syndrome. Identifiers: Orphanet 892, MedGen C0019562, MONDO:0008667, OMIM 193300. Disease mechanism: loss of function.
VHL-related disorder. Also called: VHL-related condition.

Allele frequency attached by ClinVar (database versions not stated): TOPMed 0.00006; gnomAD 0.00009 and 0.00010; 1000 Genomes Project 30x 0.00031; 1000 Genomes Project 0.00040.
gnomAD v4.1: 15 of 152,492 alleles (0.0098%); highest among the groups gnomAD compares: African/African-American, 0.034%; no homozygotes.

Submissions (2):

Labcorp Genetics (formerly Invitae), Labcorp
Classification: Likely benign for Von Hippel-Lindau syndrome; Chuvash polycythemia. Last evaluated: 2025-12-23. Review status: criteria provided, single submitter. Criteria: Invitae Variant Classification Sherloc (09022015). Collection method: clinical testing. Allele origin: germline.

PreventionGenetics, part of Exact Sciences
Classification: Likely benign for VHL-related condition. Last evaluated: 2020-12-22. Review status: no assertion criteria provided. Collection method: clinical testing. Allele origin: germline. Not counted in ClinVar's aggregate classification.
Comment: This variant is classified as likely benign based on ACMG/AMP sequence variant interpretation guidelines (Richards et al. 2015 PMID: 25741868, with internal and published modifications).